The following is an entry in ClinVar:

NM_001999.4(FBN2):c.7739C>T (p.Ser2580Leu)

Gene: FBN2 (fibrillin 2; minus strand). Cytogenetic location: 5q23.3.
Variant type: single nucleotide variant.
Coding change: c.7739C>T on transcript NM_001999.4 (MANE Select); coding-DNA position 7739, C replaced by T.
Protein change: p.Ser2580Leu; replaces serine 2580 with leucine.
Molecular consequence: missense variant.
Genome position (GRCh38, 1-based): chr5:128,273,941, G>A on the plus strand (C>T on the coding strand, the complement: FBN2 is on the minus strand). VCF-style: chr5-128273941-G-A. GRCh37 (hg19) VCF-style: chr5-127609633-G-A.
Other names: p.S2580L:TCG>TTG; short protein forms S2580L.
Identifiers: ClinVar variation 129051 (VCV000129051.42), dbSNP rs2291628, ClinGen allele CA288839.

ClinVar aggregate classification (germline): Benign. Review status: criteria provided, multiple submitters, no conflicts (2 of 4 stars). 13 submissions from 13 submitters: Benign (12). 1 of the submissions does not count toward it. Last evaluated 2026-02-04.

Conditions:
Familial thoracic aortic aneurysm and aortic dissection (TAAD). Also called: Thoracic aortic aneurysms and dissections. Identifiers: Orphanet 91387, MedGen C4707243, MONDO:0019625.
Congenital contractural arachnodactyly (CCA). Also called: Arthrogryposis, distal, type 9; Beals-Hecht syndrome; BEALS SYNDROME. Identifiers: Orphanet 115, MedGen C0220668, MONDO:0007363, OMIM 121050.

Allele frequency attached by ClinVar (database versions not stated): gnomAD 0.07011 and 0.07089; 1000 Genomes Project 30x 0.07167; TOPMed 0.07333; gnomAD exomes 0.07406 and 0.07475; ExAC 0.07441; 1000 Genomes Project 0.07568; ESP Exome Variant Server 0.07804.
gnomAD v4.1: 120,395 of 1,613,668 alleles (7.5%); highest among the groups gnomAD compares: Middle Eastern, 11%; 4,830 homozygotes.

Submissions (13):

Labcorp Genetics (formerly Invitae), Labcorp
Classification: Benign for Congenital contractural arachnodactyly. Last evaluated: 2026-02-04. Review status: criteria provided, single submitter. Criteria: Invitae Variant Classification Sherloc (09022015). Collection method: clinical testing. Allele origin: germline.

ARUP Laboratories, Molecular Genetics and Genomics, ARUP Laboratories
Classification: Benign. Last evaluated: 2025-07-29. Review status: criteria provided, single submitter. Criteria: ARUP Molecular Germline Variant Investigation Process 2024. Collection method: clinical testing. Allele origin: germline.

Blueprint Genetics
Classification: Benign. Last evaluated: 2024-11-26. Review status: criteria provided, single submitter. Criteria: ACMG Guidelines, 2015. Collection method: clinical testing. Allele origin: germline.

Illumina Laboratory Services, Illumina
Classification: Benign for Congenital contractural arachnodactyly. Last evaluated: 2018-01-13. Review status: criteria provided, single submitter. Criteria: ICSL Variant Classification Criteria 13 December 2019. Collection method: clinical testing. Allele origin: germline.
Comment: This variant was observed in the ICSL laboratory as part of a predisposition screen in an ostensibly healthy population. It had not been previously curated by ICSL or reported in the Human Gene Mutation Database (HGMD: prior to June 1st, 2018), and was therefore a candidate for classification through an automated scoring system. Utilizing variant allele frequency, disease prevalence and penetrance estimates, and inheritance mode, an automated score was calculated to assess if this variant is too frequent to cause the disease. Based on the score and internal cut-off values, a variant classified as benign is not then subjected to further curation. The score for this variant resulted in a classification of benign for this disease.

Clinical Genetics DNA and cytogenetics Diagnostics Lab, Erasmus MC, Erasmus Medical Center
Classification: Benign for Congenital contractural arachnodactyly. Last evaluated: 2017-05-31. Review status: criteria provided, single submitter. Criteria: ACGS Guidelines, 2013. Collection method: clinical testing. Allele origin: germline. Affected: yes. Study: VKGL Data-share Consensus.

Women's Health and Genetics/Laboratory Corporation of America, LabCorp
Classification: Benign. Last evaluated: 2017-03-22. Review status: criteria provided, single submitter. Criteria: LabCorp Variant Classification Summary - May 2015. Collection method: clinical testing. Allele origin: germline.
Comment: Variant summary: The FBN2 c.7739C>T (p.Ser2580Leu) variant causes a missense change involving the alteration of a non-conserved nucleotide. 3/5 in silico tools predict a benign outcome for this variant. The variant of interest has been observed in a large, broad control population, ExAC, in 9006/121038 control chromosomes (359 homozygotes) at a frequency of 0.0744064, which is approximately 59525 times the estimated maximal expected allele frequency of a pathogenic FBN2 variant (0.0000013), suggesting this variant is likely a benign polymorphism. In addition, multiple clinical diagnostic laboratories classified this variant as benign. The variant of interest has not, to our knowledge, been reported in affected individuals via publications nor evaluated for functional impact by in vivo/vitro studies. Taken together, this variant is classified as benign.

Ambry Genetics
Classification: Benign for Familial thoracic aortic aneurysm and aortic dissection. Last evaluated: 2014-11-19. Review status: criteria provided, single submitter. Criteria: Ambry Variant Classification Scheme 2023. Collection method: clinical testing. Allele origin: germline.

Mayo Clinic Laboratories, Mayo Clinic
Classification: Benign. Last evaluated: 2014-01-31. Review status: criteria provided, single submitter. Criteria: ACMG Guidelines, 2015. Collection method: clinical testing. Allele origin: germline. Observed: 192 variant alleles.

Genetic Services Laboratory, University of Chicago
Classification: Benign for AllHighlyPenetrant. Last evaluated: 2013-08-15. Review status: criteria provided, single submitter. Criteria: ACMG Guidelines, 2007. Collection method: clinical testing. Allele origin: germline. Inheritance: Autosomal dominant inheritance.

Laboratory for Molecular Medicine, Mass General Brigham Personalized Medicine
Classification: Benign. Last evaluated: 2013-04-04. Review status: criteria provided, single submitter. Criteria: LMM Criteria. Collection method: clinical testing. Allele origin: germline. Observed: 1 variant allele.
Comment: Ser2580Leu in exon 61 of FBN2: This variant is not expected to have clinical sig nificance because it has been identified in 8.1% (358/4406) of African American chromosomes from a broad population by the NHLBI Exome Sequencing Project (dbSNP rs2291628).

GeneDx
Classification: Benign. Last evaluated: 2012-11-29. Review status: criteria provided, single submitter. Criteria: GeneDx Variant Classification (06012015). Collection method: clinical testing. Allele origin: germline. Affected: yes.
Comment: This variant is considered likely benign or benign based on one or more of the following criteria: it is a conservative change, it occurs at a poorly conserved position in the protein, it is predicted to be benign by multiple in silico algorithms, and/or has population frequency not consistent with disease.

PreventionGenetics, part of Exact Sciences
Classification: Benign. Review status: criteria provided, single submitter. Criteria: ACMG Guidelines, 2015. Collection method: clinical testing. Allele origin: germline.

Genome Diagnostics Laboratory, Amsterdam University Medical Center
Classification: Benign for Congenital contractural arachnodactyly. Last evaluated: 2014-02-04. Review status: no assertion criteria provided. Criteria: ACGS Guidelines, 2013. Collection method: clinical testing. Allele origin: germline. Affected: yes. Study: VKGL Data-share Consensus. Not counted in ClinVar's aggregate classification.